The following is an entry in ClinVar:

ClinVar aggregate classification (germline): Pathogenic (1 of 4 stars; one submission).

Conditions:
Hypogonadotropic hypogonadism 2 with or without anosmia (HH2). Also called: FGFR1-Related GnRH Deficiency (Kallmann Syndrome 2); HYPOGONADOTROPIC HYPOGONADISM 2 WITHOUT ANOSMIA; HYPOGONADOTROPIC HYPOGONADISM 2 WITH OR WITHOUT ANOSMIA, SUSCEPTIBILITY TO; HYPOGONADOTROPIC HYPOGONADISM 2 WITHOUT ANOSMIA, SUSCEPTIBILITY TO. Identifiers: Orphanet 478, MedGen C1563720, MONDO:0007844, OMIM 147950. Disease mechanism: loss of function.

Submission:

Reproductive Endocrine Unit, Massachusetts General Hospital
Classification: Pathogenic for Hypogonadotropic hypogonadism 2 with or without anosmia. Last evaluated: 2023-05-04. Review status: criteria provided, single submitter. Criteria: ACMG Guidelines, 2015. Collection method: research. Allele origin: unknown. Affected: yes. Observed: 1 variant allele.
Comment: The variant NM_023110.2:c.551dup, p.(Asn185Lysfs*16) het has been classified as P1c based on the variant meeting the following ACMG Criteria: PVS1,PM2,PP3.

NM_023110.3(FGFR1):c.551dup (p.Asn185fs)

Gene: FGFR1 (fibroblast growth factor receptor 1; minus strand). Cytogenetic location: 8p11.23.
Variant type: Duplication.
Coding change: c.551dup on transcript NM_023110.3 (MANE Select); coding-DNA position 551, one base duplicated (C; older notation c.551dupC).
Protein change: p.Asn185fs; shifts the reading frame from asparagine 185.
Molecular consequence: frameshift variant.
Genome position (GRCh38, 1-based): chr8:38,427,991, G duplicated on the plus strand (C on the coding strand, the reverse complement: FGFR1 is on the minus strand); the first of 4 consecutive G bases (chr8:38,427,991-38,427,994); duplicating any one gives the same sequence. VCF-style (leftmost placement, unchanged base first): chr8-38427990-T-TG. GRCh37 (hg19) VCF-style: chr8-38285508-T-TG.
Other names: c.548dup, p.Asn185Lysfs (NM_000604.2); c.551dup, p.Asn185fs (NM_001174063.2); c.527dup, p.Asn177fs (NM_001174064.2); c.545dup, p.Asn183fs (NM_001174065.2, NM_001354367.2, NM_001354369.2 and 2 more transcripts); c.284dup, p.Asn96fs (NM_001174066.2, NM_023105.3); c.644dup, p.Asn216fs (NM_001174067.2); c.278dup, p.Asn94fs (NM_001354368.2, NM_001354370.2, NM_023106.3); c.551dup (NM_023110.2); short protein forms N177fs, N183fs, N185fs, N216fs, N94fs, N96fs.
Identifiers: ClinVar variation 2505376 (VCV002505376.1), dbSNP rs2537194228, ClinGen allele CA2580614330.